The following is an entry in ClinVar:

NM_014639.4(SKIC3):c.1808C>T (p.Ser603Leu)

Gene: SKIC3 (SKI3 subunit of superkiller complex; minus strand). Cytogenetic location: 5q15.
Variant type: single nucleotide variant.
Coding change: c.1808C>T on transcript NM_014639.4 (MANE Select); coding-DNA position 1808, C replaced by T.
Protein change: p.Ser603Leu; replaces serine 603 with leucine.
Molecular consequence: missense variant.
Genome position (GRCh38, 1-based): chr5:95,522,257, G>A on the plus strand (C>T on the coding strand, the complement: SKIC3 is on the minus strand). VCF-style: chr5-95522257-G-A. GRCh37 (hg19) VCF-style: chr5-94857961-G-A.
Other names: short protein forms S603L.
Identifiers: ClinVar variation 2416619 (VCV002416619.6), dbSNP rs141273322, ClinGen allele CA3347230.

ClinVar aggregate classification (germline): Uncertain significance. Review status: criteria provided, multiple submitters, no conflicts (2 of 4 stars). 2 submissions from 2 submitters: Uncertain significance (2). Last evaluated 2024-02-24.

Conditions:
Inborn genetic diseases. Identifiers: MedGen C0950123, MeSH D030342.

Allele frequency attached by ClinVar (database versions not stated): ExAC 0.00001; gnomAD 0.00001; TOPMed 0.00001; ESP Exome Variant Server 0.00008.
gnomAD v4.1: 13 of 1,613,468 alleles (0.00081%); highest among the groups gnomAD compares: African/African-American, 0.0013%; no homozygotes.

Submissions (2):

Labcorp Genetics (formerly Invitae), Labcorp
Classification: Uncertain significance. Last evaluated: 2024-02-24. Review status: criteria provided, single submitter. Criteria: Invitae Variant Classification Sherloc (09022015). Collection method: clinical testing. Allele origin: germline.
Comment: This sequence change replaces serine, which is neutral and polar, with leucine, which is neutral and non-polar, at codon 603 of the TTC37 protein (p.Ser603Leu). This variant is present in population databases (rs141273322, gnomAD 0.002%). This variant has not been reported in the literature in individuals affected with TTC37-related conditions. ClinVar contains an entry for this variant (Variation ID: 2416619). An algorithm developed to predict the effect of missense changes on protein structure and function (PolyPhen-2) suggests that this variant is likely to be disruptive. In summary, the available evidence is currently insufficient to determine the role of this variant in disease. Therefore, it has been classified as a Variant of Uncertain Significance.

Ambry Genetics
Classification: Uncertain significance for Inborn genetic diseases. Last evaluated: 2023-07-05. Review status: criteria provided, single submitter. Criteria: Ambry Variant Classification Scheme 2023. Collection method: clinical testing. Allele origin: germline.